The following is an entry in ClinVar:

NM_006206.6(PDGFRA):c.86C>T (p.Ser29Phe)

Gene: PDGFRA (platelet derived growth factor receptor alpha; plus strand). Cytogenetic location: 4q12.
Variant type: single nucleotide variant.
Coding change: c.86C>T on transcript NM_006206.6 (MANE Select); coding-DNA position 86, C replaced by T.
Protein change: p.Ser29Phe; replaces serine 29 with phenylalanine.
Molecular consequence: missense variant.
Genome position (GRCh38, 1-based): chr4:54,261,131, C>T. VCF-style: chr4-54261131-C-T. GRCh37 (hg19) VCF-style: chr4-55127298-C-T.
Other names: c.86C>T, p.Ser29Phe (NM_001347827.2, NM_001347829.2); c.161C>T, p.Ser54Phe (NM_001347828.2); c.125C>T, p.Ser42Phe (NM_001347830.2); short protein forms S29F, S42F, S54F.
Identifiers: ClinVar variation 135023 (VCV000135023.9), dbSNP rs587778600, ClinGen allele CA161429.

ClinVar aggregate classification (germline): Uncertain significance. Review status: criteria provided, multiple submitters, no conflicts (2 of 4 stars). 4 submissions from 4 submitters: Uncertain significance (3). 1 of the submissions does not count toward it. Last evaluated 2025-06-04.

Conditions:
Idiopathic hypereosinophilic syndrome (HES). Identifiers: Orphanet 3260, MedGen C0206141, MONDO:0011895, OMIM 607685. Disease mechanism: gain of function.
Polyps, multiple and recurrent inflammatory fibroid, gastrointestinal. Identifiers: MedGen C5193005, MONDO:0008285, OMIM 175510.
Hereditary cancer-predisposing syndrome. Also called: Tumor predisposition; Hereditary neoplastic syndrome; Hereditary Cancer Syndrome; Neoplastic Syndromes, Hereditary. Identifiers: Orphanet 140162, MedGen C0027672, MeSH D009386, MONDO:0015356.
Gastrointestinal stromal tumor. Also called: Gastrointestinal stromal tumor, somatic; Gastrointestinal stroma tumor. Identifiers: Orphanet 44890, MedGen C0238198, MeSH D046152, MONDO:0011719, OMIM 606764, HP:0100723.

Allele frequency attached by ClinVar (database versions not stated): gnomAD exomes below 0.00001 and 0.00001; ExAC 0.00002.
gnomAD v4.1: 2 of 1,614,188 alleles (0.00012%); highest among the groups gnomAD compares: Non-Finnish European, 0.00017%; no homozygotes.

Submissions (4):

Labcorp Genetics (formerly Invitae), Labcorp
Classification: Uncertain significance for Gastrointestinal stromal tumor. Last evaluated: 2025-06-04. Review status: criteria provided, single submitter. Criteria: Invitae Variant Classification Sherloc (09022015). Collection method: clinical testing. Allele origin: germline.
Comment: This sequence change replaces serine, which is neutral and polar, with phenylalanine, which is neutral and non-polar, at codon 29 of the PDGFRA protein (p.Ser29Phe). This variant is present in population databases (rs587778600, gnomAD 0.006%). This variant has not been reported in the literature in individuals affected with PDGFRA-related conditions. ClinVar contains an entry for this variant (Variation ID: 135023). Invitae Evidence Modeling of protein sequence and biophysical properties (such as structural, functional, and spatial information, amino acid conservation, physicochemical variation, residue mobility, and thermodynamic stability) indicates that this missense variant is not expected to disrupt PDGFRA protein function with a negative predictive value of 80%. In summary, the available evidence is currently insufficient to determine the role of this variant in disease. Therefore, it has been classified as a Variant of Uncertain Significance.

Fulgent Genetics
Classification: Uncertain significance for Polyps, multiple and recurrent inflammatory fibroid, gastrointestinal; Idiopathic hypereosinophilic syndrome. Last evaluated: 2024-06-03. Review status: criteria provided, single submitter. Criteria: ACMG Guidelines, 2015. Collection method: clinical testing. Allele origin: germline.

Ambry Genetics
Classification: Uncertain significance for Hereditary cancer-predisposing syndrome. Last evaluated: 2024-02-23. Review status: criteria provided, single submitter. Criteria: Ambry Variant Classification Scheme 2023. Collection method: clinical testing. Allele origin: germline.
Comment: The p.S29F variant (also known as c.86C>T), located in coding exon 2 of the PDGFRA gene, results from a C to T substitution at nucleotide position 86. The serine at codon 29 is replaced by phenylalanine, an amino acid with highly dissimilar properties. This amino acid position is not well conserved in available vertebrate species. In addition, this alteration is predicted to be tolerated by in silico analysis. Since supporting evidence is limited at this time, the clinical significance of this alteration remains unclear.

ITMI
No classification provided. Condition: AllHighlyPenetrant. Last evaluated: 2013-09-19. Review status: no classification provided. Collection method: reference population. Allele origin: germline. Not counted in ClinVar's aggregate classification.
Comment: Please see associated publication for description of ethnicities

Literature cited by the submitters: PubMed 24728327 (cited by ITMI).